The following is an entry in ClinVar:

NM_153252.5(BRWD3):c.2359C>T (p.Arg787Cys)

Gene: BRWD3 (bromodomain and WD repeat domain containing 3; minus strand). Cytogenetic location: Xq21.1.
Variant type: single nucleotide variant.
Coding change: c.2359C>T on transcript NM_153252.5 (MANE Select); coding-DNA position 2359, C replaced by T.
Protein change: p.Arg787Cys; replaces arginine 787 with cysteine.
Molecular consequence: missense variant. On other transcripts: intron variant (1).
Genome position (GRCh38, 1-based): chrX:80,709,544, G>A on the plus strand (C>T on the coding strand, the complement: BRWD3 is on the minus strand). VCF-style: chrX-80709544-G-A. GRCh37 (hg19) VCF-style: chrX-79965043-G-A.
Other names: c.2326-2041C>T (NM_001441339.1); short protein forms R787C.
Identifiers: ClinVar variation 4767402 (VCV004767402.1).
Genomic context (GRCh38, chrX:80,709,544, plus strand): 5'-AATTATGCTCTATGTTGGACCGTGTTTGGTAAGTATGCTGACGTTTGCGCTGTGTCCTGC[G>A]TAAAGAACGCCCACAGCTAGGCTCATAATCATTCTGTAAAAGAGAAGAATAATAAATTTT-3'
Protein context (NP_694984.5, residues 777-797): DYEPSCGRSL[Arg787Cys]RTQRKRQHTY

ClinVar aggregate classification (germline): Uncertain significance (1 of 4 stars; one submission).

gnomAD v4.1: 5 of 1,208,190 alleles (0.00041%); highest among the groups gnomAD compares: African/African-American, 0.0035%; no homozygotes.

Submission:

Labcorp Genetics (formerly Invitae), Labcorp
Classification: Uncertain significance. Last evaluated: 2025-12-11. Review status: criteria provided, single submitter. Criteria: Invitae Variant Classification Sherloc (09022015). Collection method: clinical testing. Allele origin: germline.
Comment: This sequence change replaces arginine, which is basic and polar, with cysteine, which is neutral and slightly polar, at codon 787 of the BRWD3 protein (p.Arg787Cys). This variant is not present in population databases (gnomAD no frequency). This variant has not been reported in the literature in individuals affected with BRWD3-related conditions. Invitae Evidence Modeling of protein sequence and biophysical properties (such as structural, functional, and spatial information, amino acid conservation, physicochemical variation, residue mobility, and thermodynamic stability) indicates that this missense variant is expected to disrupt BRWD3 protein function with a positive predictive value of 80%. In summary, the available evidence is currently insufficient to determine the role of this variant in disease. Therefore, it has been classified as a Variant of Uncertain Significance.